The following is an entry in ClinVar:

ClinVar aggregate classification (germline): Uncertain significance (1 of 4 stars; one submission).

Allele frequency attached by ClinVar (database versions not stated): gnomAD exomes below 0.00001; TOPMed 0.00001; ExAC 0.00002.

Submission:

Labcorp Genetics (formerly Invitae), Labcorp
Classification: Uncertain significance. Last evaluated: 2023-04-06. Review status: criteria provided, single submitter. Criteria: Invitae Variant Classification Sherloc (09022015). Collection method: clinical testing. Allele origin: germline.
Comment: This sequence change replaces glycine, which is neutral and non-polar, with aspartic acid, which is acidic and polar, at codon 324 of the SHPK protein (p.Gly324Asp). This variant is present in population databases (rs758542825, gnomAD 0.02%). This variant has not been reported in the literature in individuals affected with SHPK-related conditions. An algorithm developed to predict the effect of missense changes on protein structure and function (PolyPhen-2) suggests that this variant is likely to be disruptive. In summary, the available evidence is currently insufficient to determine the role of this variant in disease. Therefore, it has been classified as a Variant of Uncertain Significance.

NM_013276.4(SHPK):c.971G>A (p.Gly324Asp)

Gene: SHPK (sedoheptulokinase; minus strand). Cytogenetic location: 17p13.2.
Variant type: single nucleotide variant.
Coding change: c.971G>A on transcript NM_013276.4 (MANE Select); coding-DNA position 971, G replaced by A.
Protein change: p.Gly324Asp; replaces glycine 324 with aspartic acid.
Molecular consequence: missense variant.
Genome position (GRCh38, 1-based): chr17:3,615,390, C>T on the plus strand (G>A on the coding strand, the complement: SHPK is on the minus strand). VCF-style: chr17-3615390-C-T. GRCh37 (hg19) VCF-style: chr17-3518684-C-T.
Other names: short protein forms G324D.
Identifiers: ClinVar variation 2988557 (VCV002988557.3), dbSNP rs758542825, ClinGen allele CA8291162.
Genomic context (GRCh38, chr17:3,615,390, plus strand): 5'-ACCTTACCTAGATCTGCCATCCACTGAACCAGCATGTGGACGAACGTGGCCAGCACATTG[C>T]CCCCGTTGAGTGACGCGGCCACCCCCAGGTAGGTCCTGTTGAAGTATGGGAAGTAGGCGA-3'
Protein context (NP_037408.2, residues 314-334): YLGVAASLNG[Gly324Asp]NVLATFVHML